The following is an entry in ClinVar:

NM_000287.4(PEX6):c.882+4G>A

Gene: PEX6 (peroxisomal biogenesis factor 6; minus strand). Cytogenetic location: 6p21.1.
Variant type: single nucleotide variant.
Coding change: c.882+4G>A on transcript NM_000287.4 (MANE Select); 4 bases into the intron after coding-DNA position 882, G replaced by A.
Molecular consequence: intron variant.
Genome position (GRCh38, 1-based): chr6:42,978,265, C>T on the plus strand (G>A on the coding strand, the complement: PEX6 is on the minus strand). VCF-style: chr6-42978265-C-T. GRCh37 (hg19) VCF-style: chr6-42946003-C-T.
Other names: c.618+268G>A (NM_001316313.2).
Identifiers: ClinVar variation 1518073 (VCV001518073.6), dbSNP rs756846884, ClinGen allele CA1624317987.
Genomic context (GRCh38, chr6:42,978,265, plus strand): 5'-ACCTAAGACAGAGAAGAGGGTATAAGAAAGAGGAAGCACTCCTGACCCCAGTCCTTTATC[C>T]TACCTGAATTCTGAGCTCTCCCATTTCCAGGGGGTCACAGCCAAGATTAAAAGCCAAAGT-3'

ClinVar aggregate classification (germline): Conflicting classifications of pathogenicity. Review status: criteria provided, conflicting classifications (1 of 4 stars). 2 submissions from 2 submitters: Uncertain significance (1); Likely benign (1). Last evaluated 2024-10-11.

Conditions:
Peroxisome biogenesis disorder. Identifiers: Orphanet 79189, MedGen C1832200, MONDO:0019234. Disease mechanism: loss of function.

gnomAD v4.1: 5 of 1,614,148 alleles (0.00031%); highest among the groups gnomAD compares: Admixed American, 0.0017%; no homozygotes.

Submissions (2):

Blueprint Genetics
Classification: Likely benign. Last evaluated: 2024-10-11. Review status: criteria provided, single submitter. Criteria: ACMG Guidelines, 2015. Collection method: clinical testing. Allele origin: germline.

Labcorp Genetics (formerly Invitae), Labcorp
Classification: Uncertain significance for Peroxisome biogenesis disorder. Last evaluated: 2024-03-04. Review status: criteria provided, single submitter. Criteria: Invitae Variant Classification Sherloc (09022015). Collection method: clinical testing. Allele origin: germline.
Comment: This sequence change falls in intron 1 of the PEX6 gene. It does not directly change the encoded amino acid sequence of the PEX6 protein. It affects a nucleotide within the consensus splice site. This variant is not present in population databases (gnomAD no frequency). This variant has not been reported in the literature in individuals affected with PEX6-related conditions. ClinVar contains an entry for this variant (Variation ID: 1518073). Variants that disrupt the consensus splice site are a relatively common cause of aberrant splicing (PMID: 17576681, 9536098). Algorithms developed to predict the effect of sequence changes on RNA splicing suggest that this variant is not likely to affect RNA splicing. In summary, the available evidence is currently insufficient to determine the role of this variant in disease. Therefore, it has been classified as a Variant of Uncertain Significance.

Literature cited by the submitters: PubMed 17576681 (cited by Labcorp Genetics (formerly Invitae), Labcorp); PubMed 9536098 (cited by Labcorp Genetics (formerly Invitae), Labcorp).